The following is an entry in ClinVar:

NM_002432.3(MNDA):c.704T>C (p.Met235Thr)

Gene: MNDA (myeloid cell nuclear differentiation antigen; plus strand). Cytogenetic location: 1q23.1.
Variant type: single nucleotide variant.
Coding change: c.704T>C on transcript NM_002432.3 (MANE Select); coding-DNA position 704, T replaced by C.
Protein change: p.Met235Thr; replaces methionine 235 with threonine.
Molecular consequence: missense variant.
Genome position (GRCh38, 1-based): chr1:158,845,720, T>C. VCF-style: chr1-158845720-T-C. GRCh37 (hg19) VCF-style: chr1-158815510-T-C.
Other names: short protein forms M235T.
Identifiers: ClinVar variation 1756880 (VCV001756880.2), dbSNP rs2526087556, ClinGen allele CA343041142.
Genomic context (GRCh38, chr1:158,845,720, plus strand): 5'-TGGTACTGAAAGCAACAGCGCCATTTAAATACGAGTCCCCAGAAAATGGGAAAAGCACAA[T>C]GTTTCATGCTACAGTGGCCAGTAAGACTCAATATTTCCATGTGAAAGTCTTCGACATCAA-3'
Protein context (NP_002423.1, residues 225-245): YESPENGKST[Met235Thr]FHATVASKTQ

ClinVar aggregate classification (germline): Uncertain significance (1 of 4 stars; one submission).

Allele frequency attached by ClinVar (database versions not stated): gnomAD exomes 0.00001.
gnomAD v4.1: 3 of 1,614,114 alleles (0.00019%); highest among the groups gnomAD compares: Non-Finnish European, 0.00025%; no homozygotes.

Submission:

Ambry Genetics
Classification: Uncertain significance. Last evaluated: 2024-01-12. Review status: criteria provided, single submitter. Criteria: Ambry Variant Classification Scheme 2023. Collection method: clinical testing. Allele origin: germline.
Comment: The p.M235T variant (also known as c.704T>C), located in coding exon 4 of the MNDA gene, results from a T to C substitution at nucleotide position 704. The methionine at codon 235 is replaced by threonine, an amino acid with similar properties. This amino acid position is conserved. In addition, this alteration is predicted to be tolerated by in silico analysis. Since supporting evidence is limited at this time, the clinical significance of this alteration remains unclear.